The following is an entry in ClinVar:

NC_000019.9:g.(?_39066539)_(39066621_?)dup

Gene: RYR1 (ryanodine receptor 1; plus strand). Cytogenetic location: 19q13.2.
Variant type: Duplication.
Identifiers: ClinVar variation 3242623 (VCV003242623.1).

ClinVar aggregate classification (germline): Likely pathogenic (1 of 4 stars; one submission).

Conditions:
RYR1-related disorder. Also called: RYR1-related disorders; RYR1-related condition. Identifiers: MedGen CN239331.

Submission:

Labcorp Genetics (formerly Invitae), Labcorp
Classification: Likely pathogenic for RYR1-related disorder. Last evaluated: 2023-06-27. Review status: criteria provided, single submitter. Criteria: Invitae Variant Classification Sherloc (09022015). Collection method: clinical testing. Allele origin: unknown.
Comment: In summary, the currently available evidence indicates that the variant is pathogenic, but additional data are needed to prove that conclusively. Therefore, this variant has been classified as Likely Pathogenic. This variant has not been reported in the literature in individuals affected with RYR1-related conditions. This variant results in a copy number gain of the genomic region encompassing exon(s) 97 of the RYR1 gene. While the exact position of this variant cannot be determined from the data, sub-genic copy number gains are generally in tandem (PMID: 25640679). This variant is predicted to be out-of-frame, and may result in an absent or disrupted protein product. Loss-of-function variants in RYR1 are known to be pathogenic (PMID: 23919265, 25960145, 28818389, 30611313).

Literature cited by the submitters: PubMed 25640679; PubMed 23919265; PubMed 25960145; PubMed 28818389; PubMed 30611313.